The following is an entry in ClinVar:

NM_000492.4(CFTR):c.1376C>T (p.Ser459Phe)

Genes: CFTR (CF transmembrane conductance regulator; plus strand), CFTR-AS1 (CFTR antisense RNA 1; minus strand). Cytogenetic location: 7q31.2.
Variant type: single nucleotide variant.
Coding change: c.1376C>T on transcript NM_000492.4 (MANE Select); coding-DNA position 1376, C replaced by T.
Protein change: p.Ser459Phe; replaces serine 459 with phenylalanine.
Molecular consequence: missense variant.
Genome position (GRCh38, 1-based): chr7:117,548,807, C>T. VCF-style: chr7-117548807-C-T. GRCh37 (hg19) VCF-style: chr7-117188861-C-T.
Other names: short protein forms S459F.
Identifiers: ClinVar variation 1771173 (VCV001771173.3), dbSNP rs1163971376, ClinGen allele CA368982521.

ClinVar aggregate classification (germline): Uncertain significance (1 of 4 stars; one submission).

Conditions:
Cystic fibrosis (CF). Also called: MUCOVISCIDOSIS. Identifiers: Orphanet 586, MedGen C0010674, MONDO:0009061, OMIM 219700. Disease mechanism: loss of function.

Allele frequency attached by ClinVar (database versions not stated): gnomAD exomes below 0.00001.
gnomAD v4.1: 2 of 1,610,542 alleles (0.00012%); highest among the groups gnomAD compares: African/African-American, 0.0027%; no homozygotes.

Submission:

Ambry Genetics
Classification: Uncertain significance for Cystic fibrosis. Last evaluated: 2024-05-31. Review status: criteria provided, single submitter. Criteria: Ambry Variant Classification Scheme 2023. Collection method: clinical testing. Allele origin: germline.
Comment: The p.S459F variant (also known as c.1376C>T), located in coding exon 10 of the CFTR gene, results from a C to T substitution at nucleotide position 1376. The serine at codon 459 is replaced by phenylalanine, an amino acid with highly dissimilar properties. This amino acid position is highly conserved in available vertebrate species. In addition, this alteration is predicted to be deleterious by in silico analysis. Since supporting evidence is limited at this time, the clinical significance of this alteration remains unclear.